The following is an entry in ClinVar:

ClinVar aggregate classification (germline): Conflicting classifications of pathogenicity. Review status: criteria provided, conflicting classifications (1 of 4 stars). 3 submissions from 3 submitters: Uncertain significance (1); Benign (1); Likely benign (1). Last evaluated 2024-12-16.

Conditions:
Vitreoretinopathy. Also called: Vitreoretinal degeneration. Identifiers: MedGen C0344290, MONDO:0020248, HP:0007773.

Allele frequency attached by ClinVar (database versions not stated): gnomAD 0.00004 and 0.00009; TOPMed 0.00005; gnomAD exomes 0.00007 and 0.00019; ExAC 0.00011; 1000 Genomes Project 30x 0.00016; 1000 Genomes Project 0.00020.
gnomAD v4.1: 289 of 1,613,852 alleles (0.018%); highest among the groups gnomAD compares: East Asian, 0.55%; 4 homozygotes.

Submissions (3):

Labcorp Genetics (formerly Invitae), Labcorp
Classification: Uncertain significance. Last evaluated: 2024-12-16. Review status: criteria provided, single submitter. Criteria: Invitae Variant Classification Sherloc (09022015). Collection method: clinical testing. Allele origin: germline.
Comment: This sequence change replaces aspartic acid, which is acidic and polar, with histidine, which is basic and polar, at codon 2895 of the VCAN protein (p.Asp2895His). This variant is present in population databases (rs202198791, gnomAD 0.07%), and has an allele count higher than expected for a pathogenic variant. This variant has not been reported in the literature in individuals affected with VCAN-related conditions. ClinVar contains an entry for this variant (Variation ID: 354460). An algorithm developed to predict the effect of missense changes on protein structure and function (PolyPhen-2) suggests that this variant is likely to be disruptive. In summary, the available evidence is currently insufficient to determine the role of this variant in disease. Therefore, it has been classified as a Variant of Uncertain Significance.

Blueprint Genetics
Classification: Likely benign. Last evaluated: 2019-09-11. Review status: criteria provided, single submitter. Criteria: ACMG Guidelines, 2015. Collection method: clinical testing. Allele origin: germline.

Illumina Laboratory Services, Illumina
Classification: Benign for Vitreoretinopathy. Last evaluated: 2018-01-13. Review status: criteria provided, single submitter. Criteria: ICSL Variant Classification Criteria 13 December 2019. Collection method: clinical testing. Allele origin: germline.
Comment: This variant was observed in the ICSL laboratory as part of a predisposition screen in an ostensibly healthy population. It had not been previously curated by ICSL or reported in the Human Gene Mutation Database (HGMD: prior to June 1st, 2018), and was therefore a candidate for classification through an automated scoring system. Utilizing variant allele frequency, disease prevalence and penetrance estimates, and inheritance mode, an automated score was calculated to assess if this variant is too frequent to cause the disease. Based on the score and internal cut-off values, a variant classified as benign is not then subjected to further curation. The score for this variant resulted in a classification of benign for this disease.

NM_004385.5(VCAN):c.8683G>C (p.Asp2895His)

Genes: VCAN (versican; plus strand), VCAN-AS1 (VCAN antisense RNA 1; minus strand). Cytogenetic location: 5q14.3.
Variant type: single nucleotide variant.
Coding change: c.8683G>C on transcript NM_004385.5 (MANE Select); coding-DNA position 8683, G replaced by C.
Protein change: p.Asp2895His; replaces aspartic acid 2895 with histidine.
Molecular consequence: missense variant. On other transcripts: intron variant (2).
Genome position (GRCh38, 1-based): chr5:83,541,686, G>C. VCF-style: chr5-83541686-G-C. GRCh37 (hg19) VCF-style: chr5-82837505-G-C.
Other names: c.5722G>C, p.Asp1908His (NM_001164097.2); c.4004-3851G>C (NM_001164098.2); c.1043-3851G>C (NM_001126336.3); short protein forms D2895H, D1908H.
Identifiers: ClinVar variation 354460 (VCV000354460.13), dbSNP rs202198791, ClinGen allele CA3333851.
Genomic context (GRCh38, chr5:83,541,686, plus strand): 5'-ACTTTCAAACCATCAAGTGAGGAATACCTTCACATAACTGAGCCTCCCTCTTTATCTCCT[G>C]ACACAAAATTAGAACCTTCAGAAGATGATGGTAAACCTGAGTTATTAGAAGAAATGGAAG-3'
Protein context (NP_004376.2, residues 2885-2905): HITEPPSLSP[Asp2895His]TKLEPSEDDG